The following is an entry in ClinVar:

ClinVar aggregate classification (germline): Uncertain significance (1 of 4 stars; one submission).

gnomAD v4.1: 89 of 1,614,100 alleles (0.0055%); highest among the groups gnomAD compares: Non-Finnish European, 0.0069%; no homozygotes.

Submission:

Labcorp Genetics (formerly Invitae), Labcorp
Classification: Uncertain significance for Combined immunodeficiency due to DOCK8 deficiency. Last evaluated: 2023-04-20. Review status: criteria provided, single submitter. Criteria: Invitae Variant Classification Sherloc (09022015). Collection method: clinical testing. Allele origin: germline.
Comment: In summary, the available evidence is currently insufficient to determine the role of this variant in disease. Therefore, it has been classified as a Variant of Uncertain Significance. Advanced modeling of protein sequence and biophysical properties (such as structural, functional, and spatial information, amino acid conservation, physicochemical variation, residue mobility, and thermodynamic stability) has been performed at Invitae for this missense variant, however the output from this modeling did not meet the statistical confidence thresholds required to predict the impact of this variant on DOCK8 protein function. ClinVar contains an entry for this variant (Variation ID: 2151237). This variant has not been reported in the literature in individuals affected with DOCK8-related conditions. This variant is present in population databases (rs150446322, gnomAD 0.0009%). This sequence change replaces leucine, which is neutral and non-polar, with methionine, which is neutral and non-polar, at codon 214 of the DOCK8 protein (p.Leu214Met).

NM_203447.4(DOCK8):c.640C>A (p.Leu214Met)

Gene: DOCK8 (dedicator of cytokinesis 8; plus strand). Cytogenetic location: 9p24.3.
Variant type: single nucleotide variant.
Coding change: c.640C>A on transcript NM_203447.4 (MANE Select); coding-DNA position 640, C replaced by A.
Protein change: p.Leu214Met; replaces leucine 214 with methionine.
Molecular consequence: missense variant.
Genome position (GRCh38, 1-based): chr9:312,065, C>A. VCF-style: chr9-312065-C-A. GRCh37 (hg19) VCF-style: chr9-312065-C-A.
Other names: c.436C>A, p.Leu146Met (NM_001190458.2, NM_001193536.2); short protein forms L146M, L214M.
Identifiers: ClinVar variation 2151237 (VCV002151237.3), dbSNP rs150446322, ClinGen allele CA4957348.